The following is an entry in ClinVar:

NM_000289.6(PFKM):c.2282C>G (p.Thr761Ser)

Gene: PFKM (phosphofructokinase, muscle; plus strand). Cytogenetic location: 12q13.11.
Variant type: single nucleotide variant.
Coding change: c.2282C>G on transcript NM_000289.6 (MANE Select); coding-DNA position 2282, C replaced by G.
Protein change: p.Thr761Ser; replaces threonine 761 with serine.
Molecular consequence: missense variant. On other transcripts: non-coding transcript variant (6).
Genome position (GRCh38, 1-based): chr12:48,145,647, C>G. VCF-style: chr12-48145647-C-G. GRCh37 (hg19) VCF-style: chr12-48539430-C-G.
Other names: c.2495C>G, p.Thr832Ser (NM_001166686.2, NM_001354737.1, NM_001354738.1 and 1 more transcripts); c.2282C>G, p.Thr761Ser (NM_001166687.2, NM_001166688.2, NM_001354742.2 and 2 more transcripts); c.2591C>G, p.Thr864Ser (NM_001354735.1, NM_001354736.1); c.2426C>G, p.Thr809Ser (NM_001354740.1); c.2306C>G, p.Thr769Ser (NM_001354741.2); c.2195C>G, p.Thr732Ser (NM_001354745.2); c.2156C>G, p.Thr719Ser (NM_001354746.2); c.2132C>G, p.Thr711Ser (NM_001354747.2, NM_001354748.2); and 1 more; short protein forms T769S, T832S, T730S, T809S, T711S, T719S, T732S, T761S.
Identifiers: ClinVar variation 665172 (VCV000665172.8), dbSNP rs1592832922, ClinGen allele CA384556438.

ClinVar aggregate classification (germline): Uncertain significance (1 of 4 stars; one submission).

Conditions:
Glycogen storage disease, type VII (GSD7). Also called: PFKM DEFICIENCY; TARUI DISEASE; GSD VII; MUSCLE PHOSPHOFRUCTOKINASE DEFICIENCY. Identifiers: Orphanet 371, MedGen C0017926, MONDO:0009295, OMIM 232800.

Submission:

Labcorp Genetics (formerly Invitae), Labcorp
Classification: Uncertain significance for Glycogen storage disease, type VII. Last evaluated: 2022-01-06. Review status: criteria provided, single submitter. Criteria: Invitae Variant Classification Sherloc (09022015). Collection method: clinical testing. Allele origin: germline.
Comment: Algorithms developed to predict the effect of sequence changes on RNA splicing suggest that this variant may create or strengthen a splice site. This sequence change replaces threonine, which is neutral and polar, with serine, which is neutral and polar, at codon 761 of the PFKM protein (p.Thr761Ser). This variant is not present in population databases (gnomAD no frequency). This variant has not been reported in the literature in individuals affected with PFKM-related conditions. ClinVar contains an entry for this variant (Variation ID: 665172). Algorithms developed to predict the effect of missense changes on protein structure and function are either unavailable or do not agree on the potential impact of this missense change (SIFT: "Deleterious"; PolyPhen-2: "Possibly Damaging"; Align-GVGD: "Class C0"). In summary, the available evidence is currently insufficient to determine the role of this variant in disease. Therefore, it has been classified as a Variant of Uncertain Significance.